The following is an entry in ClinVar:

NM_000091.5(COL4A3):c.*1663G>C

Genes: COL4A3 (collagen type IV alpha 3 chain; plus strand), MFF-DT (MFF divergent transcript; minus strand). Cytogenetic location: 2q36.3.
Variant type: single nucleotide variant.
Coding change: c.*1663G>C on transcript NM_000091.5 (MANE Select); 1663 bases downstream of the stop codon, G replaced by C.
Molecular consequence: 3 prime UTR variant.
Genome position (GRCh38, 1-based): chr2:227,313,533, G>C. VCF-style: chr2-227313533-G-C. GRCh37 (hg19) VCF-style: chr2-228178249-G-C.
Identifiers: ClinVar variation 334811 (VCV000334811.6), dbSNP rs56030607, ClinGen allele CA10614707.
Genomic context (GRCh38, chr2:227,313,533, plus strand): 5'-GAGTCTTAGAGTCCAGACACAAAGAGACAAAGCTTTGAAGATGCTTTTTGATCTACCTAG[G>C]TGGAGTTGGTGGTGCTGATATTTAAATTCAGGCTACTGCTTCAATCTCAATTGCTTTGTA-3'

ClinVar aggregate classification (germline): Benign. Review status: criteria provided, multiple submitters, no conflicts (2 of 4 stars). 2 submissions from 2 submitters: Benign (2). Last evaluated 2018-01-12.

Conditions:
Alport syndrome. Also called: Hemorrhagic familial nephritis; Hemorrhagic hereditary nephritis; Congenital hereditary hematuria. Identifiers: Orphanet 63, MedGen C1567741, MONDO:0018965.

Allele frequency attached by ClinVar (database versions not stated): 1000 Genomes Project 0.03894; 1000 Genomes Project 30x 0.04138; TOPMed 0.05611; gnomAD 0.05809 and 0.06118; gnomAD exomes 0.08371.
gnomAD v4.1: 8,841 of 152,666 alleles (5.8%); highest among the groups gnomAD compares: African/African-American, 9.8%; 350 homozygotes.

Submissions (2):

Illumina Laboratory Services, Illumina
Classification: Benign for Alport syndrome. Last evaluated: 2018-01-12. Review status: criteria provided, single submitter. Criteria: ICSL Variant Classification Criteria 13 December 2019. Collection method: clinical testing. Allele origin: germline.
Comment: This variant was observed in the ICSL laboratory as part of a predisposition screen in an ostensibly healthy population. It had not been previously curated by ICSL or reported in the Human Gene Mutation Database (HGMD: prior to June 1st, 2018), and was therefore a candidate for classification through an automated scoring system. Utilizing variant allele frequency, disease prevalence and penetrance estimates, and inheritance mode, an automated score was calculated to assess if this variant is too frequent to cause the disease. Based on the score and internal cut-off values, a variant classified as benign is not then subjected to further curation. The score for this variant resulted in a classification of benign for this disease.

Breakthrough Genomics
Classification: Benign. Review status: criteria provided, single submitter. Criteria: ACMG Guidelines, 2015. Collection method: not provided. Allele origin: germline. Inheritance: Autosomal recessive inheritance. Affected: yes.